The following is an entry in ClinVar:

ClinVar aggregate classification (germline): Benign/Likely benign. Review status: criteria provided, multiple submitters, no conflicts (2 of 4 stars). 2 submissions from 2 submitters: Benign (1); Likely benign (1). Last evaluated 2025-06-10.

Conditions:
Von Hippel-Lindau syndrome (VHLS). Also called: von Hippel–Lindau syndrome; Von Hippel-Lindau; VHL syndrome. Identifiers: Orphanet 892, MedGen C0019562, MONDO:0008667, OMIM 193300. Disease mechanism: loss of function.
Chuvash polycythemia. Also called: POLYCYTHEMIA, VHL-DEPENDENT. Identifiers: Orphanet 238557, MedGen C1837915, MONDO:0009892, OMIM 263400.

Allele frequency attached by ClinVar (database versions not stated): gnomAD exomes below 0.00001.
gnomAD v4.1: 1 of 1,557,450 alleles (0.000064%); highest among the groups gnomAD compares: Admixed American, 0.0019%; no homozygotes.

Submissions (2):

Myriad Genetics, Inc.
Classification: Benign for Von Hippel-Lindau syndrome. Last evaluated: 2025-06-10. Review status: criteria provided, single submitter. Criteria: Myriad Autosomal Dominant, Autosomal Recessive and X-Linked Classification Criteria (2023). Collection method: clinical testing. Allele origin: unknown.
Comment: This variant is considered benign. This variant is a silent/synonymous amino acid change and it is not expected to impact splicing.

Labcorp Genetics (formerly Invitae), Labcorp
Classification: Likely benign for Von Hippel-Lindau syndrome; Chuvash polycythemia. Last evaluated: 2022-12-24. Review status: criteria provided, single submitter. Criteria: Invitae Variant Classification Sherloc (09022015). Collection method: clinical testing. Allele origin: germline.

NM_000551.4(VHL):c.123A>G (p.Glu41=)

Gene: VHL (von Hippel-Lindau tumor suppressor; plus strand). Cytogenetic location: 3p25.3.
Variant type: single nucleotide variant.
Coding change: c.123A>G on transcript NM_000551.4 (MANE Select); coding-DNA position 123, A replaced by G.
Protein change: p.Glu41=; no amino-acid change (glutamic acid 41 retained).
Molecular consequence: synonymous variant.
Genome position (GRCh38, 1-based): chr3:10,141,970, A>G. VCF-style: chr3-10141970-A-G. GRCh37 (hg19) VCF-style: chr3-10183654-A-G.
Other names: c.123A>G, p.Glu41= (NM_001354723.2, NM_198156.3).
Identifiers: ClinVar variation 1588497 (VCV001588497.9), dbSNP rs2125124753, ClinGen allele CA432536340.